The following is an entry in ClinVar:

NM_000051.4(ATM):c.1501C>A (p.Gln501Lys)

Gene: ATM (ATM serine/threonine kinase; plus strand). Cytogenetic location: 11q22.3.
Variant type: single nucleotide variant.
Coding change: c.1501C>A on transcript NM_000051.4 (MANE Select); coding-DNA position 1501, C replaced by A.
Protein change: p.Gln501Lys; replaces glutamine 501 with lysine.
Molecular consequence: missense variant.
Genome position (GRCh38, 1-based): chr11:108,250,966, C>A. VCF-style: chr11-108250966-C-A. GRCh37 (hg19) VCF-style: chr11-108121693-C-A.
Other names: c.1501C>A, p.Gln501Lys (NM_001351834.2); short protein forms Q501K.
Identifiers: ClinVar variation 3450150 (VCV003450150.1).

ClinVar aggregate classification (germline): Uncertain significance (1 of 4 stars; one submission).

Conditions:
Hereditary cancer-predisposing syndrome. Also called: Tumor predisposition; Neoplastic Syndromes, Hereditary; Hereditary neoplastic syndrome; Hereditary Cancer Syndrome. Identifiers: Orphanet 140162, MedGen C0027672, MeSH D009386, MONDO:0015356.

gnomAD v4.1: 1 of 1,614,082 alleles (0.000062%); highest among the groups gnomAD compares: Middle Eastern, 0.016%; no homozygotes.

Submission:

Ambry Genetics
Classification: Uncertain significance for Hereditary cancer-predisposing syndrome. Last evaluated: 2024-07-14. Review status: criteria provided, single submitter. Criteria: Ambry Variant Classification Scheme 2023. Collection method: clinical testing. Allele origin: germline.
Comment: The p.Q501K variant (also known as c.1501C>A), located in coding exon 9 of the ATM gene, results from a C to A substitution at nucleotide position 1501. The glutamine at codon 501 is replaced by lysine, an amino acid with similar properties. This amino acid position is conserved. In addition, this alteration is predicted to be tolerated by in silico analysis. Based on the available evidence, the clinical significance of this variant remains unclear.